The following is an entry in ClinVar:

ClinVar aggregate classification (germline): Uncertain significance (1 of 4 stars; one submission).

gnomAD v4.1: 14 of 1,575,912 alleles (0.00089%); highest among the groups gnomAD compares: African/African-American, 0.018%; no homozygotes.

Submission:

Dasa
Classification: Uncertain significance. Last evaluated: 2024-12-23. Review status: criteria provided, single submitter. Criteria: DASA Assertion Criteria. Collection method: clinical testing. Allele origin: germline.
Comment: NM_001374385.1(ATP8B1):c.3583C>A (p.Gln1195Lys) is a missense variant that results in the substitution of glutamine with lysine. This variant is rare in population databases. Computational prediction algorithms are consistent with a benign effect. The currently available literature and clinical evidence are not sufficient to establish a definitive association between this variant and the reported condition. Therefore, this variant is classified as a variant of uncertain significance.

NM_001374385.1(ATP8B1):c.3583C>A (p.Gln1195Lys)

Genes: ATP8B1 (ATPase phospholipid transporting 8B1; minus strand), ATP8B1-AS1 (ATP8B1 antisense RNA 1; plus strand). Cytogenetic location: 18q21.31.
Variant type: single nucleotide variant.
Coding change: c.3583C>A on transcript NM_001374385.1 (MANE Select); coding-DNA position 3583, C replaced by A.
Protein change: p.Gln1195Lys; replaces glutamine 1195 with lysine.
Molecular consequence: missense variant.
Genome position (GRCh38, 1-based): chr18:57,648,661, G>T on the plus strand (C>A on the coding strand, the complement: ATP8B1 is on the minus strand). VCF-style: chr18-57648661-G-T. GRCh37 (hg19) VCF-style: chr18-55315893-G-T.
Other names: c.3433C>A, p.Gln1145Lys (NM_001374386.1); c.3583C>A, p.Gln1195Lys (NM_005603.6); short protein forms Q1145K, Q1195K.
Identifiers: ClinVar variation 4886052 (VCV004886052.2).
Genomic context (GRCh38, chr18:57,648,661, plus strand): 5'-GCTGGTGCGAGAAGGCGTAGGCCGAGCGCCGCGTTGACACGCCCCGGCGGAACACCTGCT[G>T]CCGTCGCTGCCACTGCTCCTCCGCCTTCAACCGCTTGCGATGCTTCTGGATCTGCAAGGG-3'
Protein context (NP_001361314.1, residues 1185-1205): LKAEEQWQRR[Gln1195Lys]QVFRRGVSTR